The following is an entry in ClinVar:

ClinVar aggregate classification (germline): Likely pathogenic. Review status: criteria provided, multiple submitters, no conflicts (2 of 4 stars). 2 submissions from 2 submitters: Likely pathogenic (2). Last evaluated 2024-02-27.

Conditions:
Fanconi anemia (FA). Also called: Fanconi's anemia. Identifiers: Orphanet 84, MedGen C0015625, MeSH D005199, MONDO:0019391.
Fanconi anemia complementation group G. Also called: FANCG-Related Fanconi Anemia; Fanconi anemia group G. Identifiers: Orphanet 84, MedGen C3469527, MONDO:0013565, OMIM 614082.

gnomAD v4.1: 14 of 1,614,110 alleles (0.00087%); highest among the groups gnomAD compares: Non-Finnish European, 0.00085%; no homozygotes.

Submissions (2):

Baylor Genetics
Classification: Likely pathogenic for Fanconi anemia complementation group G. Last evaluated: 2024-02-27. Review status: criteria provided, single submitter. Criteria: ACMG Guidelines, 2015. Collection method: clinical testing. Allele origin: unknown.

Labcorp Genetics (formerly Invitae), Labcorp
Classification: Likely pathogenic for Fanconi anemia. Last evaluated: 2023-10-28. Review status: criteria provided, single submitter. Criteria: Invitae Variant Classification Sherloc (09022015). Collection method: clinical testing. Allele origin: germline.
Comment: This sequence change affects an acceptor splice site in intron 10 of the FANCG gene. It is expected to disrupt RNA splicing. Variants that disrupt the donor or acceptor splice site typically lead to a loss of protein function (PMID: 16199547), and loss-of-function variants in FANCG are known to be pathogenic (PMID: 12552564). This variant is not present in population databases (gnomAD no frequency). This variant has not been reported in the literature in individuals affected with FANCG-related conditions. ClinVar contains an entry for this variant (Variation ID: 1068412). Algorithms developed to predict the effect of sequence changes on RNA splicing suggest that this variant may disrupt the consensus splice site. In summary, the currently available evidence indicates that the variant is pathogenic, but additional data are needed to prove that conclusively. Therefore, this variant has been classified as Likely Pathogenic.

Literature cited by the submitters: PubMed 16199547 (cited by Labcorp Genetics (formerly Invitae), Labcorp); PubMed 12552564 (cited by Labcorp Genetics (formerly Invitae), Labcorp).

NM_004629.2(FANCG):c.1434-2A>C

Gene: FANCG (FA complementation group G; minus strand). Cytogenetic location: 9p13.3.
Variant type: single nucleotide variant.
Coding change: c.1434-2A>C on transcript NM_004629.2 (MANE Select); the canonical splice acceptor site of the intron before coding-DNA position 1434, A replaced by C.
Molecular consequence: splice acceptor variant.
Genome position (GRCh38, 1-based): chr9:35,075,327, T>G on the plus strand (A>C on the coding strand, the complement: FANCG is on the minus strand). VCF-style: chr9-35075327-T-G. GRCh37 (hg19) VCF-style: chr9-35075324-T-G.
Identifiers: ClinVar variation 1068412 (VCV001068412.9), dbSNP rs1829062071, ClinGen allele CA373306192.